The following is an entry in ClinVar:

NM_006031.6(PCNT):c.9843C>T (p.Ala3281=)

Gene: PCNT (pericentrin; plus strand). Cytogenetic location: 21q22.3.
Variant type: single nucleotide variant.
Coding change: c.9843C>T on transcript NM_006031.6 (MANE Select); coding-DNA position 9843, C replaced by T.
Protein change: p.Ala3281=; no amino-acid change (alanine 3281 retained).
Molecular consequence: synonymous variant.
Genome position (GRCh38, 1-based): chr21:46,444,697, C>T. VCF-style: chr21-46444697-C-T. GRCh37 (hg19) VCF-style: chr21-47864610-C-T.
Other names: c.9252C>T, p.Ala3084= (NM_001315529.2).
Identifiers: ClinVar variation 4993849 (VCV004993849.1).

ClinVar aggregate classification (germline): Likely benign (1 of 4 stars; one submission).

Conditions:
PCNT-related disorder. Also called: PCNT-related condition.

Submission:

PreventionGenetics, part of Exact Sciences
Classification: Likely benign for PCNT-related condition. Last evaluated: 2025-11-04. Review status: criteria provided, single submitter. Criteria: ACMG Guidelines, 2015. Collection method: clinical testing. Allele origin: germline.
Comment: This variant is classified as likely benign based on ACMG/AMP sequence variant interpretation guidelines (Richards et al. 2015 PMID: 25741868, with internal and published modifications).